The following is an entry in ClinVar:

NM_017777.4(MKS1):c.80+13C>T

Genes: MKS1 (MKS transition zone complex subunit 1; minus strand), LOC130061271 (ATAC-STARR-seq lymphoblastoid active region 12461; plus strand). Cytogenetic location: 17q22.
Variant type: single nucleotide variant.
Coding change: c.80+13C>T on transcript NM_017777.4 (MANE Select); 13 bases into the intron after coding-DNA position 80, C replaced by T.
Molecular consequence: intron variant.
Genome position (GRCh38, 1-based): chr17:58,219,138, G>A on the plus strand (C>T on the coding strand, the complement: MKS1 is on the minus strand). VCF-style: chr17-58219138-G-A. GRCh37 (hg19) VCF-style: chr17-56296499-G-A.
Other names: c.80+13C>T (NM_001411113.1, NM_001330397.2, NM_001321269.2); c.-432+13C>T (NM_001321268.2).
Identifiers: ClinVar variation 3345564 (VCV003345564.1).
Genomic context (GRCh38, chr17:58,219,138, plus strand): 5'-AACACCGAGCTCAGGTTGGAATGATCTAAGGACACAAAAGCATGGGGCCTCGGGGCTGGG[G>A]CGGTGCGACTACCGGAGGCGCAAGTTGCGCACGGGGTCCCGGGAGCGATACACTGCCTCC-3'

ClinVar aggregate classification (germline): Likely benign (0 of 4 stars; one submission).

Conditions:
MKS1-related disorder. Also called: MKS1-related condition; MKS1-related disorders. Identifiers: MedGen CN239382.

Submission:

PreventionGenetics, part of Exact Sciences
Classification: Likely benign for MKS1-related condition. Last evaluated: 2024-05-01. Review status: no assertion criteria provided. Collection method: clinical testing. Allele origin: germline.
Comment: This variant is classified as likely benign based on ACMG/AMP sequence variant interpretation guidelines (Richards et al. 2015 PMID: 25741868, with internal and published modifications).